The following is an entry in ClinVar:

ClinVar aggregate classification (germline): Uncertain significance (1 of 4 stars; one submission).

Allele frequency attached by ClinVar (database versions not stated): gnomAD 0.00001; gnomAD exomes 0.00001; TOPMed 0.00003; ExAC 0.00005.
gnomAD v4.1: 15 of 1,564,806 alleles (0.00096%); highest among the groups gnomAD compares: African/African-American, 0.0068%; no homozygotes.

Submission:

Labcorp Genetics (formerly Invitae), Labcorp
Classification: Uncertain significance. Last evaluated: 2022-04-04. Review status: criteria provided, single submitter. Criteria: Invitae Variant Classification Sherloc (09022015). Collection method: clinical testing. Allele origin: germline.
Comment: This sequence change replaces alanine, which is neutral and non-polar, with threonine, which is neutral and polar, at codon 159 of the GP9 protein (p.Ala159Thr). The frequency data for this variant in the population databases is considered unreliable, as metrics indicate poor data quality at this position in the gnomAD database. This variant has not been reported in the literature in individuals affected with GP9-related conditions. Algorithms developed to predict the effect of missense changes on protein structure and function output the following: SIFT: "Tolerated"; PolyPhen-2: "Benign"; Align-GVGD: "Class C0". The threonine amino acid residue is found in multiple mammalian species, which suggests that this missense change does not adversely affect protein function. In summary, the available evidence is currently insufficient to determine the role of this variant in disease. Therefore, it has been classified as a Variant of Uncertain Significance.

NM_000174.5(GP9):c.475G>A (p.Ala159Thr)

Gene: GP9 (glycoprotein IX platelet; plus strand). Cytogenetic location: 3q21.3.
Variant type: single nucleotide variant.
Coding change: c.475G>A on transcript NM_000174.5 (MANE Select); coding-DNA position 475, G replaced by A.
Protein change: p.Ala159Thr; replaces alanine 159 with threonine.
Molecular consequence: missense variant.
Genome position (GRCh38, 1-based): chr3:129,062,214, G>A. VCF-style: chr3-129062214-G-A. GRCh37 (hg19) VCF-style: chr3-128781057-G-A.
Other names: short protein forms A159T.
Identifiers: ClinVar variation 2170228 (VCV002170228.1), dbSNP rs769951731, ClinGen allele CA2602726.